The following is an entry in ClinVar:

NM_006397.3(RNASEH2A):c.126G>C (p.Leu42=)

Genes: RNASEH2A (ribonuclease H2 subunit A; plus strand), LOC117038795 (CRISPRi-FlowFISH-validated PRDX2 regulatory element 4; plus strand). Cytogenetic location: 19p13.13.
Variant type: single nucleotide variant.
Coding change: c.126G>C on transcript NM_006397.3 (MANE Select); coding-DNA position 126, G replaced by C.
Protein change: p.Leu42=; no amino-acid change (leucine 42 retained).
Molecular consequence: synonymous variant.
Genome position (GRCh38, 1-based): chr19:12,806,799, G>C. VCF-style: chr19-12806799-G-C. GRCh37 (hg19) VCF-style: chr19-12917613-G-C.
Identifiers: ClinVar variation 1493799 (VCV001493799.7), dbSNP rs762363861, ClinGen allele CA9231725.

ClinVar aggregate classification (germline): Uncertain significance (1 of 4 stars; one submission).

Conditions:
Aicardi-Goutieres syndrome 4. Identifiers: Orphanet 51, MedGen C1835912, MONDO:0012472, OMIM 610333.

Allele frequency attached by ClinVar (database versions not stated): TOPMed below 0.00001; gnomAD exomes 0.00006; ExAC 0.00015.
gnomAD v4.1: 40 of 1,581,160 alleles (0.0025%); highest among the groups gnomAD compares: South Asian, 0.044%; no homozygotes.

Submission:

Labcorp Genetics (formerly Invitae), Labcorp
Classification: Uncertain significance for Aicardi-Goutieres syndrome 4. Last evaluated: 2024-03-27. Review status: criteria provided, single submitter. Criteria: Invitae Variant Classification Sherloc (09022015). Collection method: clinical testing. Allele origin: germline.
Comment: This sequence change affects codon 42 of the RNASEH2A mRNA. It is a 'silent' change, meaning that it does not change the encoded amino acid sequence of the RNASEH2A protein. It affects a nucleotide within the consensus splice site. This variant is present in population databases (rs762363861, gnomAD 0.04%). This variant has not been reported in the literature in individuals affected with RNASEH2A-related conditions. ClinVar contains an entry for this variant (Variation ID: 1493799). Algorithms developed to predict the effect of sequence changes on RNA splicing suggest that this variant is not likely to affect RNA splicing. In summary, the available evidence is currently insufficient to determine the role of this variant in disease. Therefore, it has been classified as a Variant of Uncertain Significance.